The following is an entry in ClinVar:

NM_004333.6(BRAF):c.1001C>T (p.Pro334Leu)

Genes: BRAF (B-Raf proto-oncogene, serine/threonine kinase; minus strand), LOC126860202 (BRD4-independent group 4 enhancer GRCh37_chr7:140493623-140494822; plus strand). Cytogenetic location: 7q34.
Variant type: single nucleotide variant.
Coding change: c.1001C>T on transcript NM_004333.6 (MANE Select); coding-DNA position 1001, C replaced by T.
Protein change: p.Pro334Leu; replaces proline 334 with leucine.
Molecular consequence: missense variant.
Genome position (GRCh38, 1-based): chr7:140,794,447, G>A on the plus strand (C>T on the coding strand, the complement: BRAF is on the minus strand). VCF-style: chr7-140794447-G-A. GRCh37 (hg19) VCF-style: chr7-140494247-G-A.
Other names: p.P334L:CCG>CTG; c.1001C>T, p.Pro334Leu (NM_001354609.2, NM_001374244.1, NM_001374258.1 and 4 more transcripts); c.1010C>T, p.Pro337Leu (NM_001378467.1); c.899C>T, p.Pro300Leu (NM_001378470.1); c.845C>T, p.Pro282Leu (NM_001378472.1, NM_001378473.1); c.737C>T, p.Pro246Leu (NM_001378475.1); short protein forms P334L, P246L, P282L, P300L, P337L.
Identifiers: ClinVar variation 180793 (VCV000180793.5), dbSNP rs730880418, ClinGen allele CA295925.

ClinVar aggregate classification (germline): Uncertain significance. Review status: criteria provided, multiple submitters, no conflicts (2 of 4 stars). 2 submissions from 2 submitters: Uncertain significance (2). Last evaluated 2024-08-07.

Conditions:
RASopathy. Also called: rasopathies; Noonan spectrum disorder. Identifiers: Orphanet 536391, MedGen C5555857, MONDO:0021060.

gnomAD v4.1: 7 of 1,613,812 alleles (0.00043%); highest among the groups gnomAD compares: Non-Finnish European, 0.00059%; no homozygotes.

Submissions (2):

Labcorp Genetics (formerly Invitae), Labcorp
Classification: Uncertain significance for RASopathy. Last evaluated: 2024-08-07. Review status: criteria provided, single submitter. Criteria: Invitae Variant Classification Sherloc (09022015). Collection method: clinical testing. Allele origin: germline.
Comment: This sequence change replaces proline, which is neutral and non-polar, with leucine, which is neutral and non-polar, at codon 334 of the BRAF protein (p.Pro334Leu). This variant is not present in population databases (gnomAD no frequency). This variant has not been reported in the literature in individuals affected with BRAF-related conditions. ClinVar contains an entry for this variant (Variation ID: 180793). Advanced modeling of protein sequence and biophysical properties (such as structural, functional, and spatial information, amino acid conservation, physicochemical variation, residue mobility, and thermodynamic stability) performed at Invitae indicates that this missense variant is not expected to disrupt BRAF protein function with a negative predictive value of 80%. Algorithms developed to predict the effect of sequence changes on RNA splicing suggest that this variant may create or strengthen a splice site. In summary, the available evidence is currently insufficient to determine the role of this variant in disease. Therefore, it has been classified as a Variant of Uncertain Significance.

GeneDx
Classification: Uncertain significance. Last evaluated: 2023-10-30. Review status: criteria provided, single submitter. Criteria: GeneDx Variant Classification Process June 2021. Collection method: clinical testing. Allele origin: germline. Affected: yes.
Comment: Not observed at significant frequency in large population cohorts (gnomAD); Missense variants in this gene are a common cause of disease and they are underrepresented in the general population; In silico analysis supports that this missense variant does not alter protein structure/function; In silico analysis suggests this variant may impact gene splicing. In the absence of RNA/functional studies, the actual effect of this sequence change is unknown.; Has not been previously published as pathogenic or benign to our knowledge.